The following is an entry in ClinVar:

ClinVar aggregate classification (germline): Pathogenic (1 of 4 stars; one submission).

Submission:

Labcorp Genetics (formerly Invitae), Labcorp
Classification: Pathogenic. Last evaluated: 2022-07-11. Review status: criteria provided, single submitter. Criteria: Invitae Variant Classification Sherloc (09022015). Collection method: clinical testing. Allele origin: germline.
Comment: For these reasons, this variant has been classified as Pathogenic. This variant has not been reported in the literature in individuals affected with SLC26A5-related conditions. This variant is not present in population databases (gnomAD no frequency). This sequence change creates a premature translational stop signal (p.Gly636Argfs*3) in the SLC26A5 gene. It is expected to result in an absent or disrupted protein product. Loss-of-function variants in SLC26A5 are known to be pathogenic (PMID: 12239568, 24164807).

Literature cited by the submitters: PubMed 12239568; PubMed 24164807.

NM_198999.3(SLC26A5):c.1904dup (p.Gly636fs)

Gene: SLC26A5 (solute carrier family 26 member 5; minus strand). Cytogenetic location: 7q22.1.
Variant type: Duplication.
Coding change: c.1904dup on transcript NM_198999.3 (MANE Select); coding-DNA position 1904, one base duplicated (C; older notation c.1904dupC).
Protein change: p.Gly636fs; shifts the reading frame from glycine 636.
Molecular consequence: frameshift variant. On other transcripts: non-coding transcript variant (5), intron variant (2).
Genome position (GRCh38, 1-based): chr7:103,377,681, G duplicated on the plus strand (C on the coding strand, the reverse complement: SLC26A5 is on the minus strand); the first of 5 consecutive G bases (chr7:103,377,681-103,377,685); duplicating any one gives the same sequence. VCF-style (leftmost placement, unchanged base first): chr7-103377680-T-TG. GRCh37 (hg19) VCF-style: chr7-103018127-T-TG.
Other names: c.1808dup, p.Gly604fs (NM_001167962.2, NM_001321787.2); c.1904dup, p.Gly636fs (NM_206883.3); c.971+20251dup (NM_206885.3); c.1514+11327dup (NM_206884.3); short protein forms G604fs, G636fs.
Identifiers: ClinVar variation 2112249 (VCV002112249.4), dbSNP rs956448140, ClinGen allele CA163873210.